The following is an entry in ClinVar:

ClinVar aggregate classification (germline): Likely benign. Review status: criteria provided, multiple submitters, no conflicts (2 of 4 stars). 3 submissions from 3 submitters: Likely benign (3). Last evaluated 2025-12-23.

Conditions:
CDH23-related disorder. Also called: CDH23-related disorders; CDH23-related condition.

Allele frequency attached by ClinVar (database versions not stated): gnomAD exomes 0.00014; ExAC 0.00019; gnomAD 0.00019 and 0.00021; ESP Exome Variant Server 0.00024; TOPMed 0.00026.
gnomAD v4.1: 318 of 1,613,368 alleles (0.02%); highest among the groups gnomAD compares: African/African-American, 0.027%; no homozygotes.

Submissions (3):

Labcorp Genetics (formerly Invitae), Labcorp
Classification: Likely benign. Last evaluated: 2025-12-23. Review status: criteria provided, single submitter. Criteria: Invitae Variant Classification Sherloc (09022015). Collection method: clinical testing. Allele origin: germline.

PreventionGenetics, part of Exact Sciences
Classification: Likely benign for CDH23-related condition. Last evaluated: 2025-05-19. Review status: criteria provided, single submitter. Criteria: ACMG Guidelines, 2015. Collection method: clinical testing. Allele origin: germline.
Comment: This variant is classified as likely benign based on ACMG/AMP sequence variant interpretation guidelines (Richards et al. 2015 PMID: 25741868, with internal and published modifications).

Blueprint Genetics
Classification: Likely benign. Last evaluated: 2023-12-15. Review status: criteria provided, single submitter. Criteria: ACMG Guidelines, 2015. Collection method: clinical testing. Allele origin: germline.

NM_022124.6(CDH23):c.4890C>T (p.Asn1630=)

Gene: CDH23 (cadherin related 23; plus strand). Cytogenetic location: 10q22.1.
Variant type: single nucleotide variant.
Coding change: c.4890C>T on transcript NM_022124.6 (MANE Select); coding-DNA position 4890, C replaced by T.
Protein change: p.Asn1630=; no amino-acid change (asparagine 1630 retained).
Molecular consequence: synonymous variant.
Genome position (GRCh38, 1-based): chr10:71,777,724, C>T. VCF-style: chr10-71777724-C-T. GRCh37 (hg19) VCF-style: chr10-73537481-C-T.
Identifiers: ClinVar variation 765773 (VCV000765773.12), dbSNP rs377519065, ClinGen allele CA5545580.